The following is an entry in ClinVar:

ClinVar aggregate classification (germline): Uncertain significance (1 of 4 stars; one submission).

Conditions:
Familial hemophagocytic lymphohistiocytosis 5. Also called: STXBP2-Related Familial Hemophagocytic Lymphohistiocytosis (STXBP2-fHLH). Identifiers: Orphanet 540, MedGen C2751293, MONDO:0013135, OMIM 613101.

gnomAD v4.1: 4 of 1,614,132 alleles (0.00025%); highest among the groups gnomAD compares: Admixed American, 0.0067%; no homozygotes.

Submission:

Labcorp Genetics (formerly Invitae), Labcorp
Classification: Uncertain significance for Familial hemophagocytic lymphohistiocytosis 5. Last evaluated: 2022-10-27. Review status: criteria provided, single submitter. Criteria: Invitae Variant Classification Sherloc (09022015). Collection method: clinical testing. Allele origin: germline.
Comment: This sequence change replaces proline, which is neutral and non-polar, with arginine, which is basic and polar, at codon 573 of the STXBP2 protein (p.Pro573Arg). This variant is present in population databases (rs768637937, gnomAD 0.009%). This missense change has been observed in individual(s) with clinical features of hemophagocytic lymphohistiocytosis (Invitae). In at least one individual the data is consistent with being in trans (on the opposite chromosome) from a pathogenic variant. Advanced modeling of protein sequence and biophysical properties (such as structural, functional, and spatial information, amino acid conservation, physicochemical variation, residue mobility, and thermodynamic stability) performed at Invitae indicates that this missense variant is expected to disrupt STXBP2 protein function. In summary, the available evidence is currently insufficient to determine the role of this variant in disease. Therefore, it has been classified as a Variant of Uncertain Significance.

NM_006949.4(STXBP2):c.1718C>G (p.Pro573Arg)

Gene: STXBP2 (syntaxin binding protein 2; plus strand). Cytogenetic location: 19p13.2.
Variant type: single nucleotide variant.
Coding change: c.1718C>G on transcript NM_006949.4 (MANE Select); coding-DNA position 1718, C replaced by G.
Protein change: p.Pro573Arg; replaces proline 573 with arginine.
Molecular consequence: missense variant. On other transcripts: non-coding transcript variant (1).
Genome position (GRCh38, 1-based): chr19:7,647,746, C>G. VCF-style: chr19-7647746-C-G. GRCh37 (hg19) VCF-style: chr19-7712632-C-G.
Other names: c.1709C>G, p.Pro570Arg (NM_001127396.3); c.1751C>G, p.Pro584Arg (NM_001272034.2); c.1622C>G, p.Pro541Arg (NM_001414484.1); short protein forms P541R, P573R, P570R, P584R.
Identifiers: ClinVar variation 1899953 (VCV001899953.2), dbSNP rs768637937, ClinGen allele CA9144322.